The following is an entry in ClinVar:

ClinVar aggregate classification (germline): Likely benign. Review status: criteria provided, multiple submitters, no conflicts (2 of 4 stars). 3 submissions from 3 submitters: Likely benign (3). Last evaluated 2024-02-22.

Conditions:
Malignant hyperthermia, susceptibility to, 1 (MHS1). Also called: Malignant hyperthermia suceptibility 1; Anesthesia related hyperthermia; Malignant hyperpyrexia; Fulminating hyperpyrexia; Pharmacogenic myopathy; RYR1-Related Malignant Hyperthermia Susceptibility. Identifiers: Orphanet 423, MedGen C2930980, MONDO:0007783, OMIM 145600.
RYR1-related disorder. Also called: RYR1-related condition; RYR1-related disorders. Identifiers: MedGen CN239331.

Allele frequency attached by ClinVar (database versions not stated): gnomAD exomes below 0.00001.
gnomAD v4.1: 3 of 1,614,110 alleles (0.00019%); highest among the groups gnomAD compares: Non-Finnish European, 0.00025%; no homozygotes.

Submissions (3):

All of Us Research Program, National Institutes of Health
Classification: Likely benign for Malignant hyperthermia, susceptibility to, 1. Last evaluated: 2024-02-22. Review status: criteria provided, single submitter. Criteria: ACMG Guidelines, 2015. Collection method: clinical testing. Allele origin: germline. Inheritance: Autosomal dominant inheritance. Observed: 1 variant allele, 1 heterozygote.
Comment: This study involves interpretation of variants in research participants for the purpose of population health screening. Participant phenotype was not available at the time of variant classification. Additional details can be found in publication PMID: 35346344, PMCID: PMC8962531

Color Diagnostics, LLC DBA Color Health
Classification: Likely benign for Malignant hyperthermia, susceptibility to, 1. Last evaluated: 2024-01-31. Review status: criteria provided, single submitter. Criteria: ACMG Guidelines, 2015. Collection method: clinical testing. Allele origin: germline.

Labcorp Genetics (formerly Invitae), Labcorp
Classification: Likely benign for RYR1-related disorder. Last evaluated: 2023-05-27. Review status: criteria provided, single submitter. Criteria: Invitae Variant Classification Sherloc (09022015). Collection method: clinical testing. Allele origin: germline.

NM_000540.3(RYR1):c.2304G>A (p.Glu768=)

Gene: RYR1 (ryanodine receptor 1; plus strand). Cytogenetic location: 19q13.2.
Variant type: single nucleotide variant.
Coding change: c.2304G>A on transcript NM_000540.3 (MANE Select); coding-DNA position 2304, G replaced by A.
Protein change: p.Glu768=; no amino-acid change (glutamic acid 768 retained).
Molecular consequence: synonymous variant.
Genome position (GRCh38, 1-based): chr19:38,459,282, G>A. VCF-style: chr19-38459282-G-A. GRCh37 (hg19) VCF-style: chr19-38949922-G-A.
Other names: c.2304G>A, p.Glu768= (NM_001042723.2).
Identifiers: ClinVar variation 1596102 (VCV001596102.10), dbSNP rs2145414163, ClinGen allele CA507231143.
Genomic context (GRCh38, chr19:38,459,282, plus strand): 5'-CCTCAGCGTGCCGTCCATCTCCTTCCGCATCAACGGCTGCCCCGTGCAGGGTGTCTTTGA[G>A]TCCTTCAACCTGGACGGGCTCTTCTTCCCTGTTGTCAGCTTCTCGGCTGGTGTCAAGTGA-3'
Protein context (NP_000531.2, residues 758-778): INGCPVQGVF[Glu768=]SFNLDGLFFP